The following is an entry in ClinVar:

NM_024721.5(ZFHX4):c.10624C>G (p.Pro3542Ala)

Gene: ZFHX4 (zinc finger homeobox 4; plus strand). Cytogenetic location: 8q21.13.
Variant type: single nucleotide variant.
Coding change: c.10624C>G on transcript NM_024721.5 (MANE Select); coding-DNA position 10624, C replaced by G.
Protein change: p.Pro3542Ala; replaces proline 3542 with alanine.
Molecular consequence: missense variant.
Genome position (GRCh38, 1-based): chr8:76,864,338, C>G. VCF-style: chr8-76864338-C-G. GRCh37 (hg19) VCF-style: chr8-77776574-C-G.
Other names: c.10546C>G, p.Pro3516Ala (NM_001410934.1); short protein forms P3516A, P3542A.
Identifiers: ClinVar variation 5041167 (VCV005041167.1).

ClinVar aggregate classification (germline): Likely benign (1 of 4 stars; one submission).

gnomAD v4.1: 25 of 1,613,830 alleles (0.0015%); highest among the groups gnomAD compares: Middle Eastern, 0.033%; no homozygotes.

Submission:

CeGaT Center for Human Genetics Tuebingen
Classification: Likely benign. Last evaluated: 2026-09-01. Review status: criteria provided, single submitter. Criteria: CeGaT Center For Human Genetics Tuebingen Variant Classification Criteria Version 2. Collection method: clinical testing. Allele origin: germline. Affected: yes. Observed: 1 variant allele.
Comment: ZFHX4: BP4, BS2